The following is an entry in ClinVar:

ClinVar aggregate classification (germline): Uncertain significance (1 of 4 stars; one submission).

Submission:

GeneDx
Classification: Uncertain significance. Last evaluated: 2024-01-24. Review status: criteria provided, single submitter. Criteria: GeneDx Variant Classification Process June 2021. Collection method: clinical testing. Allele origin: germline. Affected: yes.
Comment: Not observed at significant frequency in large population cohorts (gnomAD); In silico analysis supports that this missense variant has a deleterious effect on protein structure/function; Has not been previously published as pathogenic or benign to our knowledge

NM_001170629.2(CHD8):c.6640C>G (p.Pro2214Ala)

Gene: CHD8 (chromodomain helicase DNA binding protein 8; minus strand). Cytogenetic location: 14q11.2.
Variant type: single nucleotide variant.
Coding change: c.6640C>G on transcript NM_001170629.2 (MANE Select); coding-DNA position 6640, C replaced by G.
Protein change: p.Pro2214Ala; replaces proline 2214 with alanine.
Molecular consequence: missense variant.
Genome position (GRCh38, 1-based): chr14:21,392,638, G>C on the plus strand (C>G on the coding strand, the complement: CHD8 is on the minus strand). VCF-style: chr14-21392638-G-C. GRCh37 (hg19) VCF-style: chr14-21860797-G-C.
Other names: c.5803C>G, p.Pro1935Ala (NM_020920.4); short protein forms P1935A, P2214A.
Identifiers: ClinVar variation 3368335 (VCV003368335.1).